The following is an entry in ClinVar:

ClinVar aggregate classification (germline): Uncertain significance (1 of 4 stars; one submission).

Conditions:
Ullrich congenital muscular dystrophy 2 (UCMD2). Identifiers: Orphanet 75840, MedGen C4225314, MONDO:0014654, OMIM 616470.
Bethlem myopathy 2 (BTHLM2). Identifiers: Orphanet 536516, Orphanet 610, MedGen C4225313, MONDO:0034022, OMIM 616471.

Allele frequency attached by ClinVar (database versions not stated): gnomAD exomes below 0.00001.
gnomAD v4.1: 2 of 1,614,154 alleles (0.00012%); highest among the groups gnomAD compares: East Asian, 0.0022%; no homozygotes.

Submission:

Labcorp Genetics (formerly Invitae), Labcorp
Classification: Uncertain significance for Bethlem myopathy 2; Ullrich congenital muscular dystrophy 2. Last evaluated: 2024-04-10. Review status: criteria provided, single submitter. Criteria: Invitae Variant Classification Sherloc (09022015). Collection method: clinical testing. Allele origin: germline.
Comment: This sequence change replaces proline, which is neutral and non-polar, with serine, which is neutral and polar, at codon 590 of the COL12A1 protein (p.Pro590Ser). This variant is not present in population databases (gnomAD no frequency). This variant has not been reported in the literature in individuals affected with COL12A1-related conditions. ClinVar contains an entry for this variant (Variation ID: 2109683). Advanced modeling of protein sequence and biophysical properties (such as structural, functional, and spatial information, amino acid conservation, physicochemical variation, residue mobility, and thermodynamic stability) performed at Invitae indicates that this missense variant is not expected to disrupt COL12A1 protein function with a negative predictive value of 80%. In summary, the available evidence is currently insufficient to determine the role of this variant in disease. Therefore, it has been classified as a Variant of Uncertain Significance.

NM_004370.6(COL12A1):c.1768C>T (p.Pro590Ser)

Gene: COL12A1 (collagen type XII alpha 1 chain; minus strand). Cytogenetic location: 6q13.
Variant type: single nucleotide variant.
Coding change: c.1768C>T on transcript NM_004370.6 (MANE Select); coding-DNA position 1768, C replaced by T.
Protein change: p.Pro590Ser; replaces proline 590 with serine.
Molecular consequence: missense variant. On other transcripts: intron variant (1).
Genome position (GRCh38, 1-based): chr6:75,183,173, G>A on the plus strand (C>T on the coding strand, the complement: COL12A1 is on the minus strand). VCF-style: chr6-75183173-G-A. GRCh37 (hg19) VCF-style: chr6-75892889-G-A.
Other names: c.73+19547C>T (NM_080645.3); short protein forms P590S.
Identifiers: ClinVar variation 2109683 (VCV002109683.4), dbSNP rs2533565128, ClinGen allele CA364768656.